The following is an entry in ClinVar:

NM_139343.3(BIN1):c.1135_1148del (p.Glu379fs)

Gene: BIN1 (bridging integrator 1; minus strand). Cytogenetic location: 2q14.3.
Variant type: Deletion.
Coding change: c.1135_1148del on transcript NM_139343.3 (MANE Select); coding-DNA positions 1135 to 1148, 14 bases deleted (GAGGCCCCGGGGCC).
Protein change: p.Glu379fs; shifts the reading frame from glutamic acid 379.
Molecular consequence: frameshift variant. On other transcripts: intron variant (12).
Genome position (GRCh38, 1-based): chr2:127,053,996-127,054,009, GGCCCCGGGGCCTC deleted on the plus strand (GAGGCCCCGGGGCC on the coding strand, the reverse complement: BIN1 is on the minus strand). VCF-style (leftmost placement, unchanged base first): chr2-127053995-AGGCCCCGGGGCCTC-A. GRCh37 (hg19) VCF-style: chr2-127811571-AGGCCCCGGGGCCTC-A.
Other names: c.1042_1055del, p.Glu348fs (NM_001320641.2); c.1054_1067del, p.Glu352fs (NM_001320642.1); c.1006_1019del, p.Glu336fs (NM_139344.3); c.838-3097_838-3084del (NM_001320634.1); c.910-3097_910-3084del (NM_139351.3); c.910-2766_910-2753del (NM_139350.3); c.910-1647_910-1634del (NM_139349.3); c.1039-2766_1039-2753del (NM_139348.3); and 7 more; short protein forms E379fs, E348fs, E352fs, E336fs.
Identifiers: ClinVar variation 4693722 (VCV004693722.1).

ClinVar aggregate classification (germline): Uncertain significance (1 of 4 stars; one submission).

Conditions:
Myopathy, centronuclear, 2 (CNM2). Also called: MYOTUBULAR MYOPATHY, AUTOSOMAL RECESSIVE. Identifiers: Orphanet 169186, MedGen CN031787, MONDO:0009709, OMIM 255200.

Submission:

Labcorp Genetics (formerly Invitae), Labcorp
Classification: Uncertain significance for Myopathy, centronuclear, 2. Last evaluated: 2025-12-11. Review status: criteria provided, single submitter. Criteria: Invitae Variant Classification Sherloc (09022015). Collection method: clinical testing. Allele origin: germline.
Comment: This sequence change creates a premature translational stop signal (p.Glu379Phefs*13) in the BIN1 gene. It is expected to result in an absent or disrupted protein product. However, the current clinical and genetic evidence is not sufficient to establish whether loss-of-function variants in BIN1 cause disease. This variant is not present in population databases (gnomAD no frequency). This variant has not been reported in the literature in individuals affected with BIN1-related conditions. In summary, the available evidence is currently insufficient to determine the role of this variant in disease. Therefore, it has been classified as a Variant of Uncertain Significance.